The following is an entry in ClinVar:

ClinVar aggregate classification (germline): Likely pathogenic (0 of 4 stars; one submission).

Conditions:
EVC2-related disorder. Also called: EVC2-related condition.

Submission:

PreventionGenetics, part of Exact Sciences
Classification: Likely pathogenic for EVC2-related condition. Last evaluated: 2024-03-08. Review status: no assertion criteria provided. Collection method: clinical testing. Allele origin: germline.
Comment: The EVC2 c.2677_2692del16 variant is predicted to result in a frameshift and premature protein termination (p.Asp893Profs*10). To our knowledge, this variant has not been reported in the literature or in a large population database, indicating this variant is rare. Frameshift variants in EVC2 are expected to be pathogenic. This variant is interpreted as likely pathogenic.

NM_147127.5(EVC2):c.2677_2692del (p.Asp893fs)

Gene: EVC2 (EvC ciliary complex subunit 2; minus strand). Cytogenetic location: 4p16.2.
Variant type: Deletion.
Coding change: c.2677_2692del on transcript NM_147127.5 (MANE Select); coding-DNA positions 2677 to 2692, 16 bases deleted (GACCAGGCCGTGGCTG).
Protein change: p.Asp893fs; shifts the reading frame from aspartic acid 893.
Molecular consequence: frameshift variant.
Genome position (GRCh38, 1-based): chr4:5,618,492-5,618,507, CAGCCACGGCCTGGTC deleted on the plus strand (GACCAGGCCGTGGCTG on the coding strand, the reverse complement: EVC2 is on the minus strand); deleting any 16 consecutive bases within chr4:5,618,492-5,618,511 gives the same sequence; the c. name uses the placement nearest the transcript's 3' end. VCF-style (leftmost placement, unchanged base first): chr4-5618491-GCAGCCACGGCCTGGTC-G. GRCh37 (hg19) VCF-style: chr4-5620218-GCAGCCACGGCCTGGTC-G.
Other names: c.2437_2452del, p.Asp813fs (NM_001166136.2); short protein forms D813fs, D893fs.
Identifiers: ClinVar variation 3348261 (VCV003348261.1).
Genomic context (GRCh38, chr4:5,618,491, plus strand): 5'-GGAGACGGCCCTGCTTCTGTAATCGGCCACTGACAGGTCCATCCTACCTGCAGCTCAGGG[GCAGCCACGGCCTGGTC>G]CAGCTTCACGAACTCTGCTTCTCGCCACGCAGTCTGAAATTGCTGCAGCAGAACTCGGGC-3'